The following is an entry in ClinVar:

ClinVar aggregate classification (germline): Uncertain significance. Review status: criteria provided, multiple submitters, no conflicts (2 of 4 stars). 2 submissions from 2 submitters: Uncertain significance (2). Last evaluated 2024-10-28.

Conditions:
Paroxysmal nonkinesigenic dyskinesia. Also called: Paroxysmal non-kinesigenic dyskinesia. Identifiers: Orphanet 98810, MedGen C1869117, MONDO:0700088.
Inborn genetic diseases. Identifiers: MedGen C0950123, MeSH D030342.

Allele frequency attached by ClinVar (database versions not stated): ExAC 0.00002.
gnomAD v4.1: 4 of 1,613,974 alleles (0.00025%); highest among the groups gnomAD compares: East Asian, 0.0089%; no homozygotes.

Submissions (2):

Labcorp Genetics (formerly Invitae), Labcorp
Classification: Uncertain significance for Paroxysmal nonkinesigenic dyskinesia. Last evaluated: 2024-10-28. Review status: criteria provided, single submitter. Criteria: Invitae Variant Classification Sherloc (09022015). Collection method: clinical testing. Allele origin: germline.
Comment: This sequence change replaces threonine, which is neutral and polar, with serine, which is neutral and polar, at codon 38 of the PNKD protein (p.Thr38Ser). This variant is present in population databases (rs753100961, gnomAD 0.02%). This variant has not been reported in the literature in individuals affected with PNKD-related conditions. ClinVar contains an entry for this variant (Variation ID: 2536981). An algorithm developed to predict the effect of missense changes on protein structure and function outputs the following: PolyPhen-2: "Benign". The serine amino acid residue is found in multiple mammalian species, which suggests that this missense change does not adversely affect protein function. In summary, the available evidence is currently insufficient to determine the role of this variant in disease. Therefore, it has been classified as a Variant of Uncertain Significance.

Ambry Genetics
Classification: Uncertain significance for Inborn genetic diseases. Last evaluated: 2023-04-13. Review status: criteria provided, single submitter. Criteria: Ambry Variant Classification Scheme 2023. Collection method: clinical testing. Allele origin: germline.

NM_015488.5(PNKD):c.113C>G (p.Thr38Ser)

Gene: PNKD (PNKD metallo-beta-lactamase domain containing; plus strand). Cytogenetic location: 2q35.
Variant type: single nucleotide variant.
Coding change: c.113C>G on transcript NM_015488.5 (MANE Select); coding-DNA position 113, C replaced by G.
Protein change: p.Thr38Ser; replaces threonine 38 with serine.
Molecular consequence: missense variant.
Genome position (GRCh38, 1-based): chr2:218,271,426, C>G. VCF-style: chr2-218271426-C-G. GRCh37 (hg19) VCF-style: chr2-219136149-C-G.
Other names: c.113C>G, p.Thr38Ser (NM_001077399.3); short protein forms T38S.
Identifiers: ClinVar variation 2536981 (VCV002536981.4), dbSNP rs753100961, ClinGen allele CA2103251.